The following is an entry in ClinVar:

NM_001848.3(COL6A1):c.958-2_958-1del

Gene: COL6A1 (collagen type VI alpha 1 chain; plus strand). Cytogenetic location: 21q22.3.
Variant type: Deletion.
Coding change: c.958-2_958-1del on transcript NM_001848.3 (MANE Select); the canonical splice acceptor site of the intron before coding-DNA position 958, 2 bases deleted (AG; older notation c.958-2_958-1delAG).
Molecular consequence: splice acceptor variant.
Genome position (GRCh38, 1-based): chr21:45,990,376-45,990,377, AG deleted. VCF-style (leftmost placement, unchanged base first): chr21-45990375-CAG-C. GRCh37 (hg19) VCF-style: chr21-47410289-CAG-C.
Identifiers: ClinVar variation 1421511 (VCV001421511.8), dbSNP rs2123472064, ClinGen allele CA2573157623.

ClinVar aggregate classification (germline): Pathogenic (1 of 4 stars; one submission).

Conditions:
Bethlem myopathy 1A. Also called: MYOPATHY, BENIGN CONGENITAL, WITH CONTRACTURES; Bethlem Muscular Dystrophy; Bethlem myopathy 1. Identifiers: Orphanet 610, MedGen CN029274, MONDO:0024530, OMIM 158810.

Submission:

Labcorp Genetics (formerly Invitae), Labcorp
Classification: Pathogenic for Bethlem myopathy 1A. Last evaluated: 2020-12-25. Review status: criteria provided, single submitter. Criteria: Invitae Variant Classification Sherloc (09022015). Collection method: clinical testing. Allele origin: germline.
Comment: This variant disrupts the triple helix domain of COL6A1. Glycine residues within the Gly-Xaa-Yaa repeats of the triple helix domain are required for the structure and stability of fibrillar collagens (PMID: 7695699, 8218237, 19344236). In COL6A1, variants at these glycine residues are significantly enriched in individuals with autosomal dominant disease (PMID: 15689448, 24038877) compared to the general population (ExAC). Algorithms developed to predict the effect of sequence changes on RNA splicing suggest that this variant may disrupt the consensus splice site, but this prediction has not been confirmed by published transcriptional studies. Disruption of this splice site has been observed in individual(s) with Ullrich congenital muscular dystrophy (PMID: 28688748, 29406609). In at least one individual the variant was observed to be de novo. This variant is not present in population databases (ExAC no frequency). This sequence change affects an acceptor splice site in intron 12 of the COL6A1 gene. It is expected to disrupt RNA splicing. Variants that disrupt the donor or acceptor splice site typically lead to a loss of protein function (PMID: 16199547), and loss-of-function variants in COL6A1 are known to be disease-causing for autosomal recessive COL6A1 conditions (PMID: 21280092, 20976770). However, certain variants affecting donor or acceptor splice sites in the triple helical domain of COL6A1 are expected to result in in-frame exon skipping and have been reported to cause autosomal dominant COL6A1-related conditions (PMID: 18366090). For these reasons, this variant has been classified as Pathogenic.

Literature cited by the submitters: PubMed 7695699; PubMed 8218237; PubMed 19344236; PubMed 15689448; PubMed 24038877; PubMed 28688748; PubMed 29406609; PubMed 16199547; PubMed 21280092; PubMed 20976770; PubMed 18366090.